The following is an entry in ClinVar:

ClinVar aggregate classification (germline): Uncertain significance (1 of 4 stars; one submission).

Conditions:
Charcot-Marie-Tooth disease type 2. Also called: Charcot-Marie-Tooth type 2. Identifiers: Orphanet 64746, MedGen C0270914, MONDO:0018993.

Submission:

Labcorp Genetics (formerly Invitae), Labcorp
Classification: Uncertain significance for Charcot-Marie-Tooth disease type 2. Last evaluated: 2023-02-14. Review status: criteria provided, single submitter. Criteria: Invitae Variant Classification Sherloc (09022015). Collection method: clinical testing. Allele origin: unknown.
Comment: A copy number gain of the genomic region encompassing the full coding sequence of the AARS gene has been identified. The boundaries of this event are unknown as they extend beyond the assayed region for this gene and therefore may encompass additional genes. As the precise location of this event is unknown, it may be in tandem or it may be located elsewhere in the genome. This variant has not been reported in the literature in individuals affected with AARS-related conditions. Experimental studies and prediction algorithms are not available or were not evaluated, and the functional significance of this variant is currently unknown. In summary, the available evidence is currently insufficient to determine the role of this variant in disease. Therefore, it has been classified as a Variant of Uncertain Significance.

NC_000016.9:g.(?_70286624)_(70316666_?)dup

Gene: AARS1 (alanyl-tRNA synthetase 1; minus strand). Cytogenetic location: 16q22.1.
Variant type: Duplication.
Identifiers: ClinVar variation 3243568 (VCV003243568.1).